The following is an entry in ClinVar:

NM_001365276.2(TNXB):c.1109C>A (p.Thr370Lys)

Gene: TNXB (tenascin XB; minus strand). Cytogenetic location: 6p21.33.
Variant type: single nucleotide variant.
Coding change: c.1109C>A on transcript NM_001365276.2 (MANE Select); coding-DNA position 1109, C replaced by A.
Protein change: p.Thr370Lys; replaces threonine 370 with lysine.
Molecular consequence: missense variant.
Genome position (GRCh38, 1-based): chr6:32,096,744, G>T on the plus strand (C>A on the coding strand, the complement: TNXB is on the minus strand). VCF-style: chr6-32096744-G-T. GRCh37 (hg19) VCF-style: chr6-32064521-G-T.
Other names: c.1109C>A, p.Thr370Lys (NM_019105.8); short protein forms T370K.
Identifiers: ClinVar variation 2464132 (VCV002464132.2), dbSNP rs1001849030, ClinGen allele CA136906342.

ClinVar aggregate classification (germline): Uncertain significance (1 of 4 stars; one submission).

Conditions:
Cardiovascular phenotype. Identifiers: MedGen CN230736.

Allele frequency attached by ClinVar (database versions not stated): TOPMed below 0.00001; gnomAD 0.00001.
gnomAD v4.1: 26 of 1,548,958 alleles (0.0017%); highest among the groups gnomAD compares: Non-Finnish European, 0.0022%; no homozygotes.

Submission:

Ambry Genetics
Classification: Uncertain significance for Cardiovascular phenotype. Last evaluated: 2023-02-03. Review status: criteria provided, single submitter. Criteria: Ambry Variant Classification Scheme 2023. Collection method: clinical testing. Allele origin: germline.
Comment: The p.T370K variant (also known as c.1109C>A), located in coding exon 2 of the TNXB gene, results from a C to A substitution at nucleotide position 1109. The threonine at codon 370 is replaced by lysine, an amino acid with similar properties. This amino acid position is conserved. In addition, this alteration is predicted to be tolerated by in silico analysis. Since supporting evidence is limited at this time, the clinical significance of this alteration remains unclear.